The following is an entry in ClinVar:

NM_001378120.1(MBD5):c.4360C>T (p.His1454Tyr)

Gene: MBD5 (methyl-CpG binding domain protein 5; plus strand). Cytogenetic location: 2q23.1.
Variant type: single nucleotide variant.
Coding change: c.4360C>T on transcript NM_001378120.1 (MANE Select); coding-DNA position 4360, C replaced by T.
Protein change: p.His1454Tyr; replaces histidine 1454 with tyrosine.
Molecular consequence: missense variant.
Genome position (GRCh38, 1-based): chr2:148,489,992, C>T. VCF-style: chr2-148489992-C-T. GRCh37 (hg19) VCF-style: chr2-149247561-C-T.
Other names: c.3661C>T, p.His1221Tyr (NM_018328.5); short protein forms H1221Y, H1454Y.
Identifiers: ClinVar variation 2443486 (VCV002443486.1), dbSNP rs1434458538, ClinGen allele CA348729066.

ClinVar aggregate classification (germline): Uncertain significance (1 of 4 stars; one submission).

Allele frequency attached by ClinVar (database versions not stated): TOPMed 0.00001.

Submission:

GeneDx
Classification: Uncertain significance. Last evaluated: 2022-09-13. Review status: criteria provided, single submitter. Criteria: GeneDx Variant Classification Process June 2021. Collection method: clinical testing. Allele origin: germline. Affected: yes.
Comment: Not observed at significant frequency in large population cohorts (gnomAD); In silico analysis supports that this missense variant does not alter protein structure/function; Has not been previously published as pathogenic or benign to our knowledge